The following is an entry in ClinVar:

NM_002303.6(LEPR):c.821C>G (p.Ser274Ter)

Gene: LEPR (leptin receptor; plus strand). Cytogenetic location: 1p31.3.
Variant type: single nucleotide variant.
Coding change: c.821C>G on transcript NM_002303.6 (MANE Select); coding-DNA position 821, C replaced by G.
Protein change: p.Ser274Ter; replaces serine 274 with a stop codon.
Molecular consequence: nonsense.
Genome position (GRCh38, 1-based): chr1:65,596,565, C>G. VCF-style: chr1-65596565-C-G. GRCh37 (hg19) VCF-style: chr1-66062248-C-G.
Other names: c.821C>G, p.Ser274Ter (NM_001003679.3, NM_001003680.3, NM_001198687.2 and 2 more transcripts); short protein forms S274*.
Identifiers: ClinVar variation 4991267 (VCV004991267.1).

ClinVar aggregate classification (germline): Likely pathogenic (1 of 4 stars; one submission).

Conditions:
LEPR-related disorder. Also called: LEPR-related condition; LEPR-related disorders.

gnomAD v4.1: 1 of 1,612,280 alleles (0.000062%); no homozygotes.

Submission:

PreventionGenetics, part of Exact Sciences
Classification: Likely pathogenic for LEPR-related condition. Last evaluated: 2025-09-17. Review status: criteria provided, single submitter. Criteria: ACMG Guidelines, 2015. Collection method: clinical testing. Allele origin: germline.
Comment: The LEPR c.821C>G variant is predicted to result in premature protein termination (p.Ser274*). To our knowledge, this variant has not been reported in the literature or in a large population database (gnomAD), indicating this variant is rare. Nonsense variants in LEPR are expected to be pathogenic. This variant is interpreted as likely pathogenic.